The following is an entry in ClinVar:

NM_001018005.2(TPM1):c.772+163G>C

Gene: TPM1 (tropomyosin 1; plus strand). Cytogenetic location: 15q22.2.
Variant type: single nucleotide variant.
Coding change: c.772+163G>C on transcript NM_001018005.2 (MANE Select); 163 bases into the intron after coding-DNA position 772, G replaced by C.
Molecular consequence: intron variant.
Genome position (GRCh38, 1-based): chr15:63,062,808, G>C. VCF-style: chr15-63062808-G-C. GRCh37 (hg19) VCF-style: chr15-63355007-G-C.
Other names: c.898+163G>C (NM_001365778.1); c.772+163G>C (NM_001018020.2, NM_001018007.2, NM_001018006.2 and 7 more transcripts); c.664+163G>C (NM_001330351.2, NM_001330344.2, NM_001018008.2 and 5 more transcripts).
Identifiers: ClinVar variation 1193350 (VCV001193350.19), dbSNP rs190305952, ClinGen allele CA032481.

ClinVar aggregate classification (germline): Conflicting classifications of pathogenicity. Review status: criteria provided, conflicting classifications (1 of 4 stars). 5 submissions from 5 submitters: Uncertain significance (1); Likely benign (4). Last evaluated 2025-04-09.

Conditions:
Dilated cardiomyopathy 1Y (CMD1Y). Identifiers: Orphanet 154, Orphanet 54260, MedGen C2678476, MONDO:0012744, OMIM 611878.
Hypertrophic cardiomyopathy 3. Also called: TPM1-Related Familial Hypertrophic Cardiomyopathy. Identifiers: MedGen C1861863, MONDO:0007267, OMIM 115196.

Allele frequency attached by ClinVar (database versions not stated): gnomAD exomes 0.00021 and 0.00051; ExAC 0.00084; gnomAD 0.00235 and 0.00252; 1000 Genomes Project 0.00260; 1000 Genomes Project 30x 0.00281; TOPMed 0.00300.
gnomAD v4.1: 681 of 1,541,022 alleles (0.044%); highest among the groups gnomAD compares: African/African-American, 0.71%; 4 homozygotes.

Submissions (5):

Molecular Diagnostic Laboratory for Inherited Cardiovascular Disease, Montreal Heart Institute
Classification: Likely benign. Last evaluated: 2025-04-09. Review status: criteria provided, single submitter. Criteria: ACMG Guidelines, 2015. Collection method: clinical testing. Allele origin: germline. Affected: no.

CeGaT Center for Human Genetics Tuebingen
Classification: Likely benign. Last evaluated: 2024-10-01. Review status: criteria provided, single submitter. Criteria: CeGaT Center For Human Genetics Tuebingen Variant Classification Criteria Version 2. Collection method: clinical testing. Allele origin: germline. Affected: yes. Observed: 1 variant allele.
Comment: TPM1: PM4, BS1, BS2

Blueprint Genetics
Classification: Likely benign. Last evaluated: 2023-02-01. Review status: criteria provided, single submitter. Criteria: ACMG Guidelines, 2015. Collection method: clinical testing. Allele origin: germline.

GeneDx
Classification: Likely benign. Last evaluated: 2020-01-12. Review status: criteria provided, single submitter. Criteria: GeneDx Variant Classification Process June 2021. Collection method: clinical testing. Allele origin: germline. Affected: yes.

Center for Genomics, Ann and Robert H. Lurie Children's Hospital of Chicago
Classification: Uncertain significance for Dilated cardiomyopathy 1Y; Hypertrophic cardiomyopathy 3. Review status: criteria provided, single submitter. Criteria: ACMG Guidelines, 2015. Collection method: clinical testing. Allele origin: germline.
Comment: TPM1 NM_000366.5 intron 8 c.772+163G>C: This variant has not been reported in the literature but is present in 0.6% (110/16014) of African alleles in the Genome Aggregation Database. Evolutionary conservation and computational predictive tools for this variant are limited or unavailable. This variant is an intronic variant with no predicted change in the amino acid sequence but may have an unknown effect on splicing. Further studies are needed to understand its impact. In summary, data on this variant is insufficient for disease classification. Therefore, the clinical significance of this variant is uncertain.